The following is an entry in ClinVar:

ClinVar aggregate classification (germline): Uncertain significance. Review status: criteria provided, multiple submitters, no conflicts (2 of 4 stars). 2 submissions from 2 submitters: Uncertain significance (2). Last evaluated 2025-12-18.

Conditions:
Thyroid dyshormonogenesis 6 (TDH6). Also called: HYPOTHYROIDISM, CONGENITAL, DUE TO DYSHORMONOGENESIS, 6; THYROID HORMONOGENESIS, GENETIC DEFECT IN, 6; Genetic transient congenital hypothyroidism. Identifiers: Orphanet 226316, Orphanet 95716, MedGen C1846632, MONDO:0011792, OMIM 607200.

Allele frequency attached by ClinVar (database versions not stated): gnomAD exomes below 0.00001.
gnomAD v4.1: 2 of 1,614,228 alleles (0.00012%); highest among the groups gnomAD compares: South Asian, 0.0022%; no homozygotes.

Submissions (2):

Labcorp Genetics (formerly Invitae), Labcorp
Classification: Uncertain significance. Last evaluated: 2025-12-18. Review status: criteria provided, single submitter. Criteria: Invitae Variant Classification Sherloc (09022015). Collection method: clinical testing. Allele origin: germline.
Comment: This sequence change replaces phenylalanine, which is neutral and non-polar, with leucine, which is neutral and non-polar, at codon 771 of the DUOX2 protein (p.Phe771Leu). This variant is present in population databases (no rsID available, gnomAD 0.003%). This variant has not been reported in the literature in individuals affected with DUOX2-related conditions. ClinVar contains an entry for this variant (Variation ID: 887010). Invitae Evidence Modeling of protein sequence and biophysical properties (such as structural, functional, and spatial information, amino acid conservation, physicochemical variation, residue mobility, and thermodynamic stability) indicates that this missense variant is expected to disrupt DUOX2 protein function with a positive predictive value of 80%. In summary, the available evidence is currently insufficient to determine the role of this variant in disease. Therefore, it has been classified as a Variant of Uncertain Significance.

Illumina Laboratory Services, Illumina
Classification: Uncertain significance for Thyroid dyshormonogenesis 6. Last evaluated: 2018-01-12. Review status: criteria provided, single submitter. Criteria: ICSL Variant Classification Criteria 13 December 2019. Collection method: clinical testing. Allele origin: germline.

NM_001363711.2(DUOX2):c.2313C>G (p.Phe771Leu)

Gene: DUOX2 (dual oxidase 2; minus strand). Cytogenetic location: 15q21.1.
Variant type: single nucleotide variant.
Coding change: c.2313C>G on transcript NM_001363711.2 (MANE Select); coding-DNA position 2313, C replaced by G.
Protein change: p.Phe771Leu; replaces phenylalanine 771 with leucine.
Molecular consequence: missense variant.
Genome position (GRCh38, 1-based): chr15:45,105,664, G>C on the plus strand (C>G on the coding strand, the complement: DUOX2 is on the minus strand). VCF-style: chr15-45105664-G-C. GRCh37 (hg19) VCF-style: chr15-45397862-G-C.
Other names: c.2313C>G, p.Phe771Leu (NM_014080.5); short protein forms F771L.
Identifiers: ClinVar variation 887010 (VCV000887010.5), dbSNP rs1306818709, ClinGen allele CA392270073.